The following is an entry in ClinVar:

ClinVar aggregate classification (germline): Pathogenic. Review status: criteria provided, multiple submitters, no conflicts (2 of 4 stars). 2 submissions from 2 submitters: Pathogenic (2). Last evaluated 2025-11-13.

Conditions:
Hereditary angioedema type 1 (HAE1). Identifiers: Orphanet 100050, Orphanet 100051, Orphanet 91378, MedGen C2717906, MONDO:0015053, OMIM 106100.

Submissions (2):

Institute of Human Genetics, University of Leipzig Medical Center
Classification: Pathogenic for Hereditary angioedema type 1. Last evaluated: 2025-11-13. Review status: criteria provided, single submitter. Criteria: ACMG Guidelines, 2015. Collection method: clinical testing. Allele origin: unknown. Inheritance: Autosomal dominant inheritance. Affected: yes.
Comment: Criteria applied: PVS1,PS4_MOD,PM2

DNA-diagnostics Laboratory, Research Centre For Medical Genetics
Classification: Pathogenic for Hereditary angioedema type 1. Last evaluated: 2024-08-16. Review status: criteria provided, single submitter. Criteria: ACMG Guidelines, 2015. Collection method: research. Allele origin: germline. Inheritance: Autosomal dominant inheritance. Affected: yes. Observed: 1 heterozygote.
Comment: The pathogenic or likely pathogenic SERPING1 gene variants are detected in >90% of the HAE1/2 families and in >80% of the total HAE families (e.g., DOI: 10.1016/j.molimm.2008.05.007, 10.1159/2F000138883, 10.1016/j.molimm.2011.07.010). Across all SERPING1 gene exons, about 50% of the pathogenic or likely pathogenic variants associated with HAE are LoF (173/297 in ClinVar or 292/596 in HGMD 2022.1). The same variant has previously been reported in 2 HAE1/2 cases (DOI: 10.1159/000138883, 10.1002/humu.23917). In summary, the c.950delA variant in SERPING1 meets ACMG/ClinGen SVI guidance criteria to be classified as pathogenic: PVS1, PS4_Mod, PP4_Mod, PM2_Sup

Literature cited by the submitters: DOI 10.1159/000138883 (cited by DNA-diagnostics Laboratory, Research Centre For Medical Genetics); DOI 10.1002/humu.23917 (cited by DNA-diagnostics Laboratory, Research Centre For Medical Genetics).

NM_000062.3(SERPING1):c.950del (p.Asn317fs)

Gene: SERPING1 (serpin family G member 1; plus strand). Cytogenetic location: 11q12.1.
Variant type: Deletion.
Coding change: c.950del on transcript NM_000062.3 (MANE Select); coding-DNA position 950, one base deleted (A; older notation c.950delA).
Protein change: p.Asn317fs; shifts the reading frame from asparagine 317.
Molecular consequence: frameshift variant.
Genome position (GRCh38, 1-based): chr11:57,606,468, A deleted; the last of 5 consecutive A bases (chr11:57,606,464-57,606,468); deleting any one gives the same sequence. VCF-style (leftmost placement, unchanged base first): chr11-57606463-CA-C. GRCh37 (hg19) VCF-style: chr11-57373936-CA-C.
Other names: c.950del, p.Asn317fs (NM_001032295.2); c.950delA (NM_000062.3); short protein forms N317fs.
Identifiers: ClinVar variation 3338007 (VCV003338007.5).